The following is an entry in ClinVar:

ClinVar aggregate classification (germline): Pathogenic (1 of 4 stars; one submission).

Submission:

GeneDx
Classification: Pathogenic. Last evaluated: 2023-11-05. Review status: criteria provided, single submitter. Criteria: GeneDx Variant Classification Process June 2021. Collection method: clinical testing. Allele origin: germline. Affected: yes.
Comment: Not observed at significant frequency in large population cohorts (gnomAD); Missense variants in this gene are a common cause of disease and they are underrepresented in the general population; In silico analysis supports that this missense variant has a deleterious effect on protein structure/function; This variant is associated with the following publications: (PMID: 33165829, 36943622)

NM_006009.4(TUBA1A):c.167C>G (p.Thr56Arg)

Gene: TUBA1A (tubulin alpha 1a; minus strand). Cytogenetic location: 12q13.12.
Variant type: single nucleotide variant.
Coding change: c.167C>G on transcript NM_006009.4 (MANE Select); coding-DNA position 167, C replaced by G.
Protein change: p.Thr56Arg; replaces threonine 56 with arginine.
Molecular consequence: missense variant.
Genome position (GRCh38, 1-based): chr12:49,186,670, G>C on the plus strand (C>G on the coding strand, the complement: TUBA1A is on the minus strand). VCF-style: chr12-49186670-G-C. GRCh37 (hg19) VCF-style: chr12-49580453-G-C.
Other names: c.167C>G, p.Thr56Arg (NM_001270399.2); c.62C>G, p.Thr21Arg (NM_001270400.2); short protein forms T21R, T56R.
Identifiers: ClinVar variation 3340611 (VCV003340611.1).